The following is an entry in ClinVar:

ClinVar aggregate classification (germline): Likely benign. Review status: criteria provided, multiple submitters, no conflicts (2 of 4 stars). 4 submissions from 4 submitters: Likely benign (4). Last evaluated 2026-09-01.

Allele frequency attached by ClinVar (database versions not stated): ExAC 0.00008; TOPMed 0.00008; gnomAD exomes 0.00012; gnomAD 0.00016.

Submissions (4):

CeGaT Center for Human Genetics Tuebingen
Classification: Likely benign. Last evaluated: 2026-09-01. Review status: criteria provided, single submitter. Criteria: CeGaT Center For Human Genetics Tuebingen Variant Classification Criteria Version 2. Collection method: clinical testing. Allele origin: germline. Affected: yes. Observed: 2 variant alleles.
Comment: PKLR: BP4, BP7

Labcorp Genetics (formerly Invitae), Labcorp
Classification: Likely benign. Last evaluated: 2025-11-21. Review status: criteria provided, single submitter. Criteria: Invitae Variant Classification Sherloc (09022015). Collection method: clinical testing. Allele origin: germline.

Mayo Clinic Laboratories, Mayo Clinic
Classification: Likely benign. Last evaluated: 2025-07-02. Review status: criteria provided, single submitter. Criteria: ACMG Guidelines, 2015. Collection method: clinical testing. Allele origin: germline. Observed: 4 variant alleles.

ARUP Laboratories, Molecular Genetics and Genomics, ARUP Laboratories
Classification: Likely benign. Last evaluated: 2024-08-26. Review status: criteria provided, single submitter. Criteria: ARUP Molecular Germline Variant Investigation Process 2024. Collection method: clinical testing. Allele origin: germline.

NM_000298.6(PKLR):c.618T>C (p.Asn206=)

Gene: PKLR (pyruvate kinase L/R; minus strand). Cytogenetic location: 1q22.
Variant type: single nucleotide variant.
Coding change: c.618T>C on transcript NM_000298.6 (MANE Select); coding-DNA position 618, T replaced by C.
Protein change: p.Asn206=; no amino-acid change (asparagine 206 retained).
Molecular consequence: synonymous variant.
Genome position (GRCh38, 1-based): chr1:155,295,192, A>G on the plus strand (T>C on the coding strand, the complement: PKLR is on the minus strand). VCF-style: chr1-155295192-A-G. GRCh37 (hg19) VCF-style: chr1-155264983-A-G.
Other names: p.Asn206=; c.525T>C, p.Asn175= (NM_181871.4).
Identifiers: ClinVar variation 2570736 (VCV002570736.31), dbSNP rs749833572, ClinGen allele CA1144272.
Genomic context (GRCh38, chr1:155,295,192, plus strand): 5'-TAGGGAGATGAGCCCGTCGTCAATGTAGATGCGGCCCCCCACCGGCACGACCCGGACAAT[A>G]TTGGGGTAGTCCACCCACACGGTGTTCGCGTTCCCCCGCGTCCGGAACGCGGGGTCCACA-3'
Protein context (NP_000289.1, residues 196-216): NANTVWVDYP[Asn206=]IVRVVPVGGR